The following is an entry in ClinVar:

NM_002907.4(RECQL):c.805T>A (p.Leu269Met)

Gene: RECQL (RecQ like helicase; minus strand). Cytogenetic location: 12p12.1.
Variant type: single nucleotide variant.
Coding change: c.805T>A on transcript NM_002907.4 (MANE Select); coding-DNA position 805, T replaced by A.
Protein change: p.Leu269Met; replaces leucine 269 with methionine.
Molecular consequence: missense variant.
Genome position (GRCh38, 1-based): chr12:21,477,865, A>T on the plus strand (T>A on the coding strand, the complement: RECQL is on the minus strand). VCF-style: chr12-21477865-A-T. GRCh37 (hg19) VCF-style: chr12-21630799-A-T.
Other names: c.805T>A, p.Leu269Met (NM_032941.3); short protein forms L269M.
Identifiers: ClinVar variation 1761843 (VCV001761843.8), dbSNP rs1943115457, ClinGen allele CA384124406.

ClinVar aggregate classification (germline): Uncertain significance. Review status: criteria provided, multiple submitters, no conflicts (2 of 4 stars). 2 submissions from 2 submitters: Uncertain significance (2). Last evaluated 2025-11-23.

Submissions (2):

Ambry Genetics
Classification: Uncertain significance. Last evaluated: 2025-11-23. Review status: criteria provided, single submitter. Criteria: Ambry Variant Classification Scheme 2023. Collection method: clinical testing. Allele origin: germline.
Comment: The p.L269M variant (also known as c.805T>A), located in coding exon 6 of the RECQL gene, results from a T to A substitution at nucleotide position 805. The leucine at codon 269 is replaced by methionine, an amino acid with highly similar properties. This amino acid position is highly conserved in available vertebrate species. In addition, the in silico prediction for this alteration is inconclusive. Since supporting evidence is limited at this time, the clinical significance of this alteration remains unclear.

Labcorp Genetics (formerly Invitae), Labcorp
Classification: Uncertain significance. Last evaluated: 2024-05-20. Review status: criteria provided, single submitter. Criteria: Invitae Variant Classification Sherloc (09022015). Collection method: clinical testing. Allele origin: germline.
Comment: This sequence change replaces leucine, which is neutral and non-polar, with methionine, which is neutral and non-polar, at codon 269 of the RECQL protein (p.Leu269Met). This variant is not present in population databases (gnomAD no frequency). This variant has not been reported in the literature in individuals affected with RECQL-related conditions. ClinVar contains an entry for this variant (Variation ID: 1761843). Advanced modeling of protein sequence and biophysical properties (such as structural, functional, and spatial information, amino acid conservation, physicochemical variation, residue mobility, and thermodynamic stability) has been performed at Invitae for this missense variant, however the output from this modeling did not meet the statistical confidence thresholds required to predict the impact of this variant on RECQL protein function. In summary, the available evidence is currently insufficient to determine the role of this variant in disease. Therefore, it has been classified as a Variant of Uncertain Significance.